The following is an entry in ClinVar:

NM_005228.5(EGFR):c.2378T>A (p.Met793Lys)

Genes: EGFR (epidermal growth factor receptor; plus strand), EGFR-AS1 (EGFR antisense RNA 1; minus strand). Cytogenetic location: 7p11.2.
Variant type: single nucleotide variant.
Coding change: c.2378T>A on transcript NM_005228.5 (MANE Select); coding-DNA position 2378, T replaced by A.
Protein change: p.Met793Lys; replaces methionine 793 with lysine.
Molecular consequence: missense variant. On other transcripts: non-coding transcript variant (1).
Genome position (GRCh38, 1-based): chr7:55,181,387, T>A. VCF-style: chr7-55181387-T-A. GRCh37 (hg19) VCF-style: chr7-55249080-T-A.
Other names: c.2243T>A, p.Met748Lys (NM_001346897.2, NM_001346899.2); c.2378T>A, p.Met793Lys (NM_001346898.2); c.2219T>A, p.Met740Lys (NM_001346900.2); c.1577T>A, p.Met526Lys (NM_001346941.2); short protein forms M526K, M740K, M748K, M793K.
Identifiers: ClinVar variation 4016777 (VCV004016777.1).

ClinVar aggregate classification (germline): Uncertain significance (1 of 4 stars; one submission).

Conditions:
Hereditary cancer-predisposing syndrome. Also called: Tumor predisposition; Hereditary neoplastic syndrome; Neoplastic Syndromes, Hereditary; Hereditary Cancer Syndrome. Identifiers: Orphanet 140162, MedGen C0027672, MeSH D009386, MONDO:0015356.

Submission:

Ambry Genetics
Classification: Uncertain significance for Hereditary cancer-predisposing syndrome. Last evaluated: 2025-05-17. Review status: criteria provided, single submitter. Criteria: Ambry Variant Classification Scheme 2023. Collection method: clinical testing. Allele origin: germline.
Comment: The p.M793K variant (also known as c.2378T>A), located in coding exon 20 of the EGFR gene, results from a T to A substitution at nucleotide position 2378. The methionine at codon 793 is replaced by lysine, an amino acid with similar properties. This amino acid position is conserved. In addition, this alteration is predicted to be deleterious by in silico analysis. Based on the available evidence, the clinical significance of this variant remains unclear.